The following is an entry in ClinVar:

NM_006218.4(PIK3CA):c.819A>G (p.Ile273Met)

Gene: PIK3CA (phosphatidylinositol-4,5-bisphosphate 3-kinase catalytic subunit alpha; plus strand). Cytogenetic location: 3q26.32.
Variant type: single nucleotide variant.
Coding change: c.819A>G on transcript NM_006218.4 (MANE Select); coding-DNA position 819, A replaced by G.
Protein change: p.Ile273Met; replaces isoleucine 273 with methionine.
Molecular consequence: missense variant.
Genome position (GRCh38, 1-based): chr3:179,203,549, A>G. VCF-style: chr3-179203549-A-G. GRCh37 (hg19) VCF-style: chr3-178921337-A-G.
Other names: short protein forms I273M.
Identifiers: ClinVar variation 4291761 (VCV004291761.1).

ClinVar aggregate classification (germline): Likely pathogenic (1 of 4 stars; one submission).

Conditions:
PIK3CA-related disorder. Also called: PIK3CA- related disease; PIK3CA-related condition; PIK3CA-related disorders.

Submission:

3billion
Classification: Likely pathogenic for PIK3CA-related disorder. Last evaluated: 2024-09-20. Review status: criteria provided, single submitter. Criteria: ACMG Guidelines, 2015. Collection method: clinical testing. Allele origin: germline. Affected: yes.
Comment: The variant is not observed in the gnomAD v4.0.0 dataset. Predicted Consequence/Location: Missense variant. Missense changes are a common disease-causing mechanism.The variant is located in a mutational hot spot and/or well-established functional domain in which established pathogenic variants have been reported (PMID: 26637981, 24459181, 27631024). In silico tool predictions suggest damaging effect of the variant on gene or gene product [3Cnet: 0.97 (>=0.6, sensitivity 0.72 and precision 0.9)]. Different missensechanges at the same codon have been reported as of uncertain significance (ClinVar ID: VCV001762303, VCV000571273). Therefore, this variant is classified as Likely pathogenic according to the recommendation of ACMG/AMP guideline.